The following is an entry in ClinVar:

ClinVar aggregate classification (germline): Uncertain significance (1 of 4 stars; one submission).

Conditions:
Hereditary sensory and autonomic neuropathy type 6. Also called: Neuropathy, hereditary sensory and autonomic, type VI; HSAN VI. Identifiers: Orphanet 314381, MedGen C3539003, MONDO:0013839, OMIM 614653.
Epidermolysis bullosa simplex 3, localized or generalized intermediate, with BP230 deficiency (EBS3). Also called: Epidermolysis bullosa simplex due to BP230 deficiency; Epidermolysis bullosa simplex, autosomal recessive 2. Identifiers: Orphanet 412181, MedGen C3809470, MONDO:0014180, OMIM 615425.

Allele frequency attached by ClinVar (database versions not stated): gnomAD exomes below 0.00001; TOPMed below 0.00001.
gnomAD v4.1: 4 of 1,613,540 alleles (0.00025%); highest among the groups gnomAD compares: Non-Finnish European, 0.00034%; no homozygotes.

Submission:

Labcorp Genetics (formerly Invitae), Labcorp
Classification: Uncertain significance for Epidermolysis bullosa simplex 3, localized or generalized intermediate, with BP230 deficiency; Hereditary sensory and autonomic neuropathy type 6. Last evaluated: 2022-05-29. Review status: criteria provided, single submitter. Criteria: Invitae Variant Classification Sherloc (09022015). Collection method: clinical testing. Allele origin: germline.
Comment: This sequence change replaces lysine, which is basic and polar, with arginine, which is basic and polar, at codon 1564 of the DST protein (p.Lys1564Arg). This variant is not present in population databases (gnomAD no frequency). This variant has not been reported in the literature in individuals affected with DST-related conditions. Algorithms developed to predict the effect of missense changes on protein structure and function (SIFT, PolyPhen-2, Align-GVGD) all suggest that this variant is likely to be tolerated. In summary, the available evidence is currently insufficient to determine the role of this variant in disease. Therefore, it has been classified as a Variant of Uncertain Significance.

NM_001723.7(DST):c.4691A>G (p.Lys1564Arg)

Gene: DST (dystonin; minus strand). Cytogenetic location: 6p12.1.
Variant type: single nucleotide variant.
Coding change: c.4691A>G on transcript NM_001723.7 (MANE Plus Clinical); coding-DNA position 4691, A replaced by G.
Protein change: p.Lys1564Arg; replaces lysine 1564 with arginine.
Molecular consequence: missense variant. On other transcripts: intron variant (10).
Genome position (GRCh38, 1-based): chr6:56,619,343, T>C on the plus strand (A>G on the coding strand, the complement: DST is on the minus strand). VCF-style: chr6-56619343-T-C. GRCh37 (hg19) VCF-style: chr6-56484141-T-C.
Other names: c.4831-4859A>G (NM_001144769.5); c.4930-4859A>G (NM_001374722.1, NM_001374736.1); c.4957-4859A>G (NM_001374734.1); c.4417-4859A>G (NM_001144770.2); c.4297-4859A>G (NM_001374730.1, NM_001386100.1, NM_183380.4 and 1 more transcripts); c.3319-4859A>G (NM_015548.5); short protein forms K1564R.
Identifiers: ClinVar variation 1952458 (VCV001952458.2), dbSNP rs1358440279, ClinGen allele CA364569095.